The following is an entry in ClinVar:

NM_005732.4(RAD50):c.2864A>C (p.His955Pro)

Gene: RAD50 (RAD50 double strand break repair protein; plus strand). Cytogenetic location: 5q31.1.
Variant type: single nucleotide variant.
Coding change: c.2864A>C on transcript NM_005732.4 (MANE Select); coding-DNA position 2864, A replaced by C.
Protein change: p.His955Pro; replaces histidine 955 with proline.
Molecular consequence: missense variant.
Genome position (GRCh38, 1-based): chr5:132,609,151, A>C. VCF-style: chr5-132609151-A-C. GRCh37 (hg19) VCF-style: chr5-131944843-A-C.
Other names: short protein forms H955P.
Identifiers: ClinVar variation 663475 (VCV000663475.15), dbSNP rs1581004640, ClinGen allele CA360959593.
Genomic context (GRCh38, chr5:132,609,151, plus strand): 5'-TAAATTTAATGAATATTTTTCTACAGCTGAATGATATTAAAGAGAAGGTTAAAAATATTC[A>C]TGGCTATATGAAAGACATTGAGAATTATATTCAAGATGGGAAAGACGACTATAAGAAGGT-3'
Protein context (NP_005723.2, residues 945-965): NDIKEKVKNI[His955Pro]GYMKDIENYI

ClinVar aggregate classification (germline): Uncertain significance. Review status: criteria provided, multiple submitters, no conflicts (2 of 4 stars). 3 submissions from 3 submitters: Uncertain significance (3). Last evaluated 2025-08-02.

Conditions:
Nijmegen breakage syndrome-like disorder (NBSLD). Also called: MICROCEPHALY AND SPONTANEOUS CHROMOSOME INSTABILITY WITHOUT IMMUNODEFICIENCY; NBS-LIKE DISORDER; RAD50 DEFICIENCY. Identifiers: Orphanet 240760, MedGen C2751318, MONDO:0013118, OMIM 613078.
Hereditary cancer-predisposing syndrome. Also called: Neoplastic Syndromes, Hereditary; Tumor predisposition; Hereditary neoplastic syndrome; Hereditary Cancer Syndrome. Identifiers: Orphanet 140162, MedGen C0027672, MeSH D009386, MONDO:0015356.

Submissions (3):

Ambry Genetics
Classification: Uncertain significance for Hereditary cancer-predisposing syndrome. Last evaluated: 2025-08-02. Review status: criteria provided, single submitter. Criteria: Ambry Variant Classification Scheme 2023. Collection method: clinical testing. Allele origin: germline.
Comment: The p.H955P variant (also known as c.2864A>C), located in coding exon 18 of the RAD50 gene, results from an A to C substitution at nucleotide position 2864. The histidine at codon 955 is replaced by proline, an amino acid with similar properties. This amino acid position is conserved. In addition, this alteration is predicted to be tolerated by in silico analysis. Since supporting evidence is limited at this time, the clinical significance of this alteration remains unclear.

Fulgent Genetics
Classification: Uncertain significance for Nijmegen breakage syndrome-like disorder. Last evaluated: 2024-05-13. Review status: criteria provided, single submitter. Criteria: ACMG Guidelines, 2015. Collection method: clinical testing. Allele origin: germline.

Labcorp Genetics (formerly Invitae), Labcorp
Classification: Uncertain significance for Hereditary cancer-predisposing syndrome. Last evaluated: 2024-03-11. Review status: criteria provided, single submitter. Criteria: Invitae Variant Classification Sherloc (09022015). Collection method: clinical testing. Allele origin: germline.
Comment: This sequence change replaces histidine, which is basic and polar, with proline, which is neutral and non-polar, at codon 955 of the RAD50 protein (p.His955Pro). This variant is not present in population databases (gnomAD no frequency). This variant has not been reported in the literature in individuals affected with RAD50-related conditions. ClinVar contains an entry for this variant (Variation ID: 663475). Advanced modeling of protein sequence and biophysical properties (such as structural, functional, and spatial information, amino acid conservation, physicochemical variation, residue mobility, and thermodynamic stability) performed at Invitae indicates that this missense variant is not expected to disrupt RAD50 protein function with a negative predictive value of 80%. In summary, the available evidence is currently insufficient to determine the role of this variant in disease. Therefore, it has been classified as a Variant of Uncertain Significance.